The following is an entry in ClinVar:

ClinVar aggregate classification (germline): Benign/Likely benign. Review status: criteria provided, multiple submitters, no conflicts (2 of 4 stars). 2 submissions from 2 submitters: Benign (1); Likely benign (1). Last evaluated 2024-03-26.

Conditions:
Classic or attenuated familial adenomatous polyposis. Identifiers: MedGen CN372698, MONDO:0021057.
Familial adenomatous polyposis 1 (FAP1). Also called: POLYPOSIS, ADENOMATOUS INTESTINAL; FAMILIAL ADENOMATOUS POLYPOSIS 1, ATTENUATED. Identifiers: MedGen C2713442, MONDO:0021056, OMIM 175100. Disease mechanism: loss of function.

Submissions (2):

Myriad Genetics, Inc.
Classification: Benign for Familial adenomatous polyposis 1. Last evaluated: 2024-03-26. Review status: criteria provided, single submitter. Criteria: Myriad Autosomal Dominant, Autosomal Recessive and X-Linked Classification Criteria (2023). Collection method: clinical testing. Allele origin: unknown.
Comment: This variant is considered benign. This variant is a silent/synonymous amino acid change and it is not expected to impact splicing.

All of Us Research Program, National Institutes of Health
Classification: Likely benign for Classic or attenuated familial adenomatous polyposis. Last evaluated: 2023-11-02. Review status: criteria provided, single submitter. Criteria: ACMG Guidelines, 2015. Collection method: clinical testing. Allele origin: germline. Inheritance: Autosomal dominant inheritance. Observed: 1 variant allele, 1 heterozygote.
Comment: This study involves interpretation of variants in research participants for the purpose of population health screening. Participant phenotype was not available at the time of variant classification. Additional details can be found in publication PMID: 35346344, PMCID: PMC8962531

NM_000038.6(APC):c.4425A>C (p.Ala1475=)

Gene: APC (APC regulator of Wnt signaling pathway; plus strand). Cytogenetic location: 5q22.2.
Variant type: single nucleotide variant.
Coding change: c.4425A>C on transcript NM_000038.6 (MANE Select); coding-DNA position 4425, A replaced by C.
Protein change: p.Ala1475=; no amino-acid change (alanine 1475 retained).
Molecular consequence: synonymous variant. On other transcripts: non-coding transcript variant (2).
Genome position (GRCh38, 1-based): chr5:112,840,019, A>C. VCF-style: chr5-112840019-A-C. GRCh37 (hg19) VCF-style: chr5-112175716-A-C.
Other names: c.4425A>C, p.Ala1475= (NM_001127510.3, NM_001354895.2, NM_001407450.1); c.4371A>C, p.Ala1457= (NM_001127511.3); c.4479A>C, p.Ala1493= (NM_001354896.2, NM_001407447.1, NM_001407448.1 and 1 more transcripts); c.4455A>C, p.Ala1485= (NM_001354897.2); c.4341A>C, p.Ala1447= (NM_001354899.2); c.4302A>C, p.Ala1434= (NM_001354900.2); c.4248A>C, p.Ala1416= (NM_001354901.2, NM_001407453.1); c.4350A>C, p.Ala1450= (NM_001354898.2); and 11 more.
Identifiers: ClinVar variation 3074270 (VCV003074270.2), dbSNP rs2149914417, ClinGen allele CA446206466.
Genomic context (GRCh38, chr5:112,840,019, plus strand): 5'-TAAAGCACCTACTGCTGAAAAGAGAGAGAGTGGACCTAAGCAAGCTGCAGTAAATGCTGC[A>C]GTTCAGAGGGTCCAGGTTCTTCCAGATGCTGATACTTTATTACATTTTGCCACGGAAAGT-3'
Protein context (NP_000029.2, residues 1465-1485): SGPKQAAVNA[Ala1475=]VQRVQVLPDA